The following is an entry in ClinVar:

ClinVar aggregate classification (germline): Uncertain significance. Review status: criteria provided, multiple submitters, no conflicts (2 of 4 stars). 2 submissions from 2 submitters: Uncertain significance (2). Last evaluated 2026-01-24.

Conditions:
Ehlers-Danlos syndrome, type 4 (EDSVASC). Also called: Ehlers-Danlos Syndrome Type IV; Ehlers-Danlos syndrome vascular type; Ehlers Danlos syndrome, ecchymotic type; Ehlers Danlos syndrome, arterial type; Ehlers Danlos syndrome, Sack-Barabas type. Identifiers: Orphanet 286, MedGen C0268338, MONDO:0017314, OMIM 130050.

Submissions (2):

Labcorp Genetics (formerly Invitae), Labcorp
Classification: Uncertain significance for Ehlers-Danlos syndrome, type 4. Last evaluated: 2026-01-24. Review status: criteria provided, single submitter. Criteria: Invitae Variant Classification Sherloc (09022015). Collection method: clinical testing. Allele origin: germline.
Comment: This sequence change falls in intron 1 of the COL3A1 gene. It does not directly change the encoded amino acid sequence of the COL3A1 protein. It affects a nucleotide within the consensus splice site. This variant is not present in population databases (gnomAD no frequency). This variant has not been reported in the literature in individuals affected with COL3A1-related conditions. ClinVar contains an entry for this variant (Variation ID: 2816777). Variants that disrupt the consensus splice site are a relatively common cause of aberrant splicing (PMID: 17576681, 9536098). Algorithms developed to predict the effect of sequence changes on RNA splicing suggest that this variant may disrupt the consensus splice site. In summary, the available evidence is currently insufficient to determine the role of this variant in disease. Therefore, it has been classified as a Variant of Uncertain Significance.

Mayo Clinic Laboratories, Mayo Clinic
Classification: Uncertain significance. Last evaluated: 2025-07-09. Review status: criteria provided, single submitter. Criteria: ACMG Guidelines, 2015. Collection method: clinical testing. Allele origin: germline. Observed: 1 variant allele.
Comment: PP3, PM2_supporting

Literature cited by the submitters: PubMed 17576681 (cited by Labcorp Genetics (formerly Invitae), Labcorp); PubMed 9536098 (cited by Labcorp Genetics (formerly Invitae), Labcorp).

NM_000090.4(COL3A1):c.79+4A>G

Gene: COL3A1 (collagen type III alpha 1 chain; plus strand). Cytogenetic location: 2q32.2.
Variant type: single nucleotide variant.
Coding change: c.79+4A>G on transcript NM_000090.4 (MANE Select); 4 bases into the intron after coding-DNA position 79, A replaced by G.
Molecular consequence: intron variant.
Genome position (GRCh38, 1-based): chr2:188,974,572, A>G. VCF-style: chr2-188974572-A-G. GRCh37 (hg19) VCF-style: chr2-189839298-A-G.
Other names: p.?; c.79+4A>G (NM_000090.3).
Identifiers: ClinVar variation 2816777 (VCV002816777.4), dbSNP rs2469085127, ClinGen allele CA2739279217.